The following is an entry in ClinVar:

NM_014625.4(NPHS2):c.416T>C (p.Leu139Pro)

Gene: NPHS2 (NPHS2 stomatin family member, podocin; minus strand). Cytogenetic location: 1q25.2.
Variant type: single nucleotide variant.
Coding change: c.416T>C on transcript NM_014625.4 (MANE Select); coding-DNA position 416, T replaced by C.
Protein change: p.Leu139Pro; replaces leucine 139 with proline.
Molecular consequence: missense variant.
Genome position (GRCh38, 1-based): chr1:179,561,324, A>G on the plus strand (T>C on the coding strand, the complement: NPHS2 is on the minus strand). VCF-style: chr1-179561324-A-G. GRCh37 (hg19) VCF-style: chr1-179530459-A-G.
Other names: c.416T>C, p.Leu139Pro (NM_001297575.2); short protein forms L139P.
Identifiers: ClinVar variation 4059080 (VCV004059080.2).

ClinVar aggregate classification (germline): Likely pathogenic (1 of 4 stars; one submission).

Conditions:
Steroid-resistant nephrotic syndrome. Identifiers: MedGen C0403397, MONDO:0044765, HP:0012588.

Submission:

Natera, Inc.
Classification: Likely pathogenic for Steroid-resistant nephrotic syndrome. Last evaluated: 2025-03-22. Review status: criteria provided, single submitter. Criteria: Natera Variant Classification Schema (03/2026). Collection method: clinical testing. Allele origin: germline.
Comment: The c.416T>C variant in NPHS2 is a missense variant predicted to cause substitution of leucine to proline at amino acid 139. This variant is rare in the general population with a frequency below the threshold expected for the associated phenotype(s). This variant has been observed in one or more individuals affected with the associated recessive disease, as either homozygous or compound heterozygous with a second variant (PMID: 31831576). This variant has been identified in one or more affected individuals with a phenotype highly consistent with the associated gene (PMID: 31831576). Computational prediction algorithms indicate this variant is likely to affect gene or protein function. Given the available evidence, this variant is classified as Likely Pathogenic.

Literature cited by the submitters: PubMed 31831576.